The following is an entry in ClinVar:

ClinVar aggregate classification (germline): Uncertain significance (1 of 4 stars; one submission).

Conditions:
Progressive sclerosing poliodystrophy (MTDPS4A). Also called: NEURONAL DEGENERATION OF CHILDHOOD WITH LIVER DISEASE, PROGRESSIVE; Alpers-Huttenlocher Syndrome (AHS); ALPERS PROGRESSIVE INFANTILE POLIODYSTROPHY; Mitochondrial DNA Depletion Syndrome 4A; Alpers Syndrome; ALPERS DIFFUSE DEGENERATION OF CEREBRAL GRAY MATTER WITH HEPATIC CIRRHOSIS. Identifiers: Orphanet 726, MedGen C0205710, MONDO:0008758, OMIM 203700.

Submission:

Labcorp Genetics (formerly Invitae), Labcorp
Classification: Uncertain significance for Progressive sclerosing poliodystrophy. Last evaluated: 2020-07-07. Review status: criteria provided, single submitter. Criteria: Invitae Variant Classification Sherloc (09022015). Collection method: clinical testing. Allele origin: germline.
Comment: In summary, the available evidence is currently insufficient to determine the role of this variant in disease. Therefore, it has been classified as a Variant of Uncertain Significance. Algorithms developed to predict the effect of missense changes on protein structure and function are either unavailable or do not agree on the potential impact of this missense change (SIFT: "Deleterious"; PolyPhen-2: "Possibly Damaging"; Align-GVGD: "Class C0"). This variant has not been reported in the literature in individuals with POLG-related conditions. This variant is not present in population databases (ExAC no frequency). This sequence change replaces asparagine with threonine at codon 1202 of the POLG protein (p.Asn1202Thr). The asparagine residue is highly conserved and there is a small physicochemical difference between asparagine and threonine.

NM_002693.3(POLG):c.3605A>C (p.Asn1202Thr)

Gene: POLG (DNA polymerase gamma, catalytic subunit; minus strand). Cytogenetic location: 15q26.1.
Variant type: single nucleotide variant.
Coding change: c.3605A>C on transcript NM_002693.3 (MANE Select); coding-DNA position 3605, A replaced by C.
Protein change: p.Asn1202Thr; replaces asparagine 1202 with threonine.
Molecular consequence: missense variant.
Genome position (GRCh38, 1-based): chr15:89,317,414, T>G on the plus strand (A>C on the coding strand, the complement: POLG is on the minus strand). VCF-style: chr15-89317414-T-G. GRCh37 (hg19) VCF-style: chr15-89860645-T-G.
Other names: c.3605A>C, p.Asn1202Thr (NM_001126131.2); short protein forms N1202T.
Identifiers: ClinVar variation 1054943 (VCV001054943.9), dbSNP rs2152056239, ClinGen allele CA393747336.